The following is an entry in ClinVar:

NM_006437.4(PARP4):c.4406C>G (p.Ala1469Gly)

Gene: PARP4 (poly(ADP-ribose) polymerase family member 4; minus strand). Cytogenetic location: 13q12.12.
Variant type: single nucleotide variant.
Coding change: c.4406C>G on transcript NM_006437.4 (MANE Select); coding-DNA position 4406, C replaced by G.
Protein change: p.Ala1469Gly; replaces alanine 1469 with glycine.
Molecular consequence: missense variant.
Genome position (GRCh38, 1-based): chr13:24,434,735, G>C on the plus strand (C>G on the coding strand, the complement: PARP4 is on the minus strand). VCF-style: chr13-24434735-G-C. GRCh37 (hg19) VCF-style: chr13-25008873-G-C.
Other names: short protein forms A1469G.
Identifiers: ClinVar variation 2643685 (VCV002643685.24), dbSNP rs61741951, ClinGen allele CA6915097.

ClinVar aggregate classification (germline): Likely benign (1 of 4 stars; one submission).

Allele frequency attached by ClinVar (database versions not stated): 1000 Genomes Project 30x 0.00203; 1000 Genomes Project 0.00220; ExAC 0.00311; gnomAD 0.00344; TOPMed 0.00348; ESP Exome Variant Server 0.00431.
gnomAD v4.1: 8,726 of 1,613,896 alleles (0.54%); highest among the groups gnomAD compares: Non-Finnish European, 0.68%; 41 homozygotes.

Submission:

CeGaT Center for Human Genetics Tuebingen
Classification: Likely benign. Last evaluated: 2022-06-01. Review status: criteria provided, single submitter. Criteria: CeGaT Center For Human Genetics Tuebingen Variant Classification Criteria Version 2. Collection method: clinical testing. Allele origin: germline. Affected: yes. Observed: 1 variant allele.
Comment: PARP4: BP4